The following is an entry in ClinVar:

NM_021076.4(NEFH):c.2855C>T (p.Pro952Leu)

Gene: NEFH (neurofilament heavy chain; plus strand). Cytogenetic location: 22q12.2.
Variant type: single nucleotide variant.
Coding change: c.2855C>T on transcript NM_021076.4 (MANE Select); coding-DNA position 2855, C replaced by T.
Protein change: p.Pro952Leu; replaces proline 952 with leucine.
Molecular consequence: missense variant.
Genome position (GRCh38, 1-based): chr22:29,490,495, C>T. VCF-style: chr22-29490495-C-T. GRCh37 (hg19) VCF-style: chr22-29886484-C-T.
Other names: c.2855C>T (NM_021076.3); short protein forms P952L.
Identifiers: ClinVar variation 1948339 (VCV001948339.7), dbSNP rs530534330, ClinGen allele CA10174500.
Genomic context (GRCh38, chr22:29,490,495, plus strand): 5'-AACCAGATGATGCCAAGGCCAAGGAACCCAGCAAACCAGCAGAGAAGAAGGAGGCAGCAC[C>T]GGAGAAAAAAGACACCAAGGAGGAGAAGGCCAAGAAGCCTGAGGAGAAACCCAAGACAGA-3'
Protein context (NP_066554.2, residues 942-962): SKPAEKKEAA[Pro952Leu]EKKDTKEEKA

ClinVar aggregate classification (germline): Uncertain significance. Review status: criteria provided, multiple submitters, no conflicts (2 of 4 stars). 3 submissions from 3 submitters: Uncertain significance (3). Last evaluated 2025-10-19.

Conditions:
NEFH-related disorder. Also called: NEFH-related condition.

Allele frequency attached by ClinVar (database versions not stated): TOPMed 0.00001; ExAC 0.00002; gnomAD 0.00002; gnomAD exomes 0.00002.
gnomAD v4.1: 34 of 1,588,220 alleles (0.0021%); highest among the groups gnomAD compares: East Asian, 0.0067%; no homozygotes.

Submissions (3):

PreventionGenetics, part of Exact Sciences
Classification: Uncertain significance for NEFH-related condition. Last evaluated: 2025-10-19. Review status: criteria provided, single submitter. Criteria: ACMG Guidelines, 2015. Collection method: clinical testing. Allele origin: germline.
Comment: The NEFH c.2855C>T variant is predicted to result in the amino acid substitution p.Pro952Leu. To our knowledge, this variant has not been reported in the literature. This variant is reported in 0.016% of alleles in individuals of South Asian descent in gnomAD. At this time, the clinical significance of this variant is uncertain due to the absence of conclusive functional and genetic evidence.

Labcorp Genetics (formerly Invitae), Labcorp
Classification: Uncertain significance. Last evaluated: 2025-10-04. Review status: criteria provided, single submitter. Criteria: Invitae Variant Classification Sherloc (09022015). Collection method: clinical testing. Allele origin: germline.
Comment: This sequence change replaces proline, which is neutral and non-polar, with leucine, which is neutral and non-polar, at codon 952 of the NEFH protein (p.Pro952Leu). This variant is present in population databases (rs530534330, gnomAD 0.02%). This variant has not been reported in the literature in individuals affected with NEFH-related conditions. ClinVar contains an entry for this variant (Variation ID: 1948339). Invitae Evidence Modeling of protein sequence and biophysical properties (such as structural, functional, and spatial information, amino acid conservation, physicochemical variation, residue mobility, and thermodynamic stability) indicates that this missense variant is not expected to disrupt NEFH protein function with a negative predictive value of 95%. In summary, the available evidence is currently insufficient to determine the role of this variant in disease. Therefore, it has been classified as a Variant of Uncertain Significance.

GeneDx
Classification: Uncertain significance. Last evaluated: 2024-11-11. Review status: criteria provided, single submitter. Criteria: GeneDx Variant Classification Process June 2021. Collection method: clinical testing. Allele origin: germline. Affected: yes.
Comment: In silico analysis supports that this missense variant has a deleterious effect on protein structure/function; Has not been previously published as pathogenic or benign to our knowledge